The following is an entry in ClinVar:

ClinVar aggregate classification (germline): Uncertain significance (1 of 4 stars; one submission).

gnomAD v4.1: 5 of 1,613,998 alleles (0.00031%); highest among the groups gnomAD compares: Non-Finnish European, 0.00042%; no homozygotes.

Submission:

Women's Health and Genetics/Laboratory Corporation of America, LabCorp
Classification: Uncertain significance. Last evaluated: 2025-11-26. Review status: criteria provided, single submitter. Criteria: LabCorp Variant Classification Summary - May 2015. Collection method: clinical testing. Allele origin: germline.
Comment: Variant summary: ARHGEF10 c.1682C>G (p.Pro561Arg) results in a non-conservative amino acid change in the encoded protein sequence. Algorithms developed to predict the effect of missense changes on protein structure and function all suggest that this variant is likely to be disruptive. The variant allele was found at a frequency of 4e-06 in 251466 control chromosomes. The available data on variant occurrences in the general population are insufficient to allow any conclusion about variant significance. To our knowledge, no occurrence of c.1682C>G in individuals affected with ARHGEF10-related conditions and no experimental evidence demonstrating its impact on protein function have been reported. No submitters have cited clinical-significance assessments for this variant to ClinVar. Based on the evidence outlined above, the variant was classified as uncertain significance.

NM_014629.4(ARHGEF10):c.1682C>G (p.Pro561Arg)

Gene: ARHGEF10 (Rho guanine nucleotide exchange factor 10; plus strand). Cytogenetic location: 8p23.3.
Variant type: single nucleotide variant.
Coding change: c.1682C>G on transcript NM_014629.4 (MANE Select); coding-DNA position 1682, C replaced by G.
Protein change: p.Pro561Arg; replaces proline 561 with arginine.
Molecular consequence: missense variant.
Genome position (GRCh38, 1-based): chr8:1,903,312, C>G. VCF-style: chr8-1903312-C-G. GRCh37 (hg19) VCF-style: chr8-1851478-C-G.
Other names: c.1568C>G, p.Pro523Arg (NM_001308152.2, NM_001438094.1); c.1682C>G, p.Pro561Arg (NM_001308153.3); c.1685C>G, p.Pro562Arg (NM_001438091.1); c.1565C>G, p.Pro522Arg (NM_001438092.1, NM_001438093.1); short protein forms P522R, P523R, P561R, P562R, P585R.
Identifiers: ClinVar variation 4536903 (VCV004536903.1).
Genomic context (GRCh38, chr8:1,903,312, plus strand): 5'-ACTGCCCACCTCTCCCCTGTTGCTTGTAGGACATGCTGAAGAACACCTCCAAAGGCCACC[C>G]CGACAGGCTGCCTCTTCAGATGGCCCTGACAGAGCTCGAAACACTAGCAGAGAAGTTAAA-3'
Protein context (NP_055444.2, residues 551-571): DMLKNTSKGH[Pro561Arg]DRLPLQMALT